The following is an entry in ClinVar:

ClinVar aggregate classification (germline): Uncertain significance. Review status: criteria provided, multiple submitters, no conflicts (2 of 4 stars). 2 submissions from 2 submitters: Uncertain significance (2). Last evaluated 2024-10-28.

Conditions:
Inborn genetic diseases. Identifiers: MedGen C0950123, MeSH D030342.

Allele frequency attached by ClinVar (database versions not stated): TOPMed 0.00005.

Submissions (2):

Labcorp Genetics (formerly Invitae), Labcorp
Classification: Uncertain significance. Last evaluated: 2024-10-28. Review status: criteria provided, single submitter. Criteria: Invitae Variant Classification Sherloc (09022015). Collection method: clinical testing. Allele origin: germline.
Comment: This sequence change replaces methionine, which is neutral and non-polar, with valine, which is neutral and non-polar, at codon 1620 of the DOCK6 protein (p.Met1620Val). This variant is present in population databases (rs763993373, gnomAD 0.03%). This variant has not been reported in the literature in individuals affected with DOCK6-related conditions. ClinVar contains an entry for this variant (Variation ID: 2182115). Invitae Evidence Modeling of protein sequence and biophysical properties (such as structural, functional, and spatial information, amino acid conservation, physicochemical variation, residue mobility, and thermodynamic stability) indicates that this missense variant is not expected to disrupt DOCK6 protein function with a negative predictive value of 80%. In summary, the available evidence is currently insufficient to determine the role of this variant in disease. Therefore, it has been classified as a Variant of Uncertain Significance.

Ambry Genetics
Classification: Uncertain significance for Inborn genetic diseases. Last evaluated: 2024-10-20. Review status: criteria provided, single submitter. Criteria: Ambry Variant Classification Scheme 2023. Collection method: clinical testing. Allele origin: germline.

NM_020812.4(DOCK6):c.4858A>G (p.Met1620Val)

Genes: DOCK6 (dedicator of cytokinesis 6; minus strand), DOCK6-AS1 (DOCK6 antisense RNA 1; plus strand). Cytogenetic location: 19p13.2.
Variant type: single nucleotide variant.
Coding change: c.4858A>G on transcript NM_020812.4 (MANE Select); coding-DNA position 4858, A replaced by G.
Protein change: p.Met1620Val; replaces methionine 1620 with valine.
Molecular consequence: missense variant.
Genome position (GRCh38, 1-based): chr19:11,208,997, T>C on the plus strand (A>G on the coding strand, the complement: DOCK6 is on the minus strand). VCF-style: chr19-11208997-T-C. GRCh37 (hg19) VCF-style: chr19-11319673-T-C.
Other names: c.4858A>G (NM_020812.2); c.4963A>G, p.Met1655Val (NM_001367830.1); short protein forms M1620V, M1655V.
Identifiers: ClinVar variation 2182115 (VCV002182115.5), dbSNP rs763993373, ClinGen allele CA9206713.